The following is an entry in ClinVar:

ClinVar aggregate classification (germline): Uncertain significance. Review status: criteria provided, multiple submitters, no conflicts (2 of 4 stars). 2 submissions from 2 submitters: Uncertain significance (2). Last evaluated 2025-04-10.

Conditions:
Primary ciliary dyskinesia. Also called: Ciliary dyskinesia. Identifiers: Orphanet 244, MedGen C0008780, MONDO:0016575, HP:0012265.

Allele frequency attached by ClinVar (database versions not stated): gnomAD exomes below 0.00001; TOPMed 0.00001.
gnomAD v4.1: 5 of 1,599,748 alleles (0.00031%); highest among the groups gnomAD compares: Non-Finnish European, 0.00043%; no homozygotes.

Submissions (2):

Ambry Genetics
Classification: Uncertain significance for Primary ciliary dyskinesia. Last evaluated: 2025-04-10. Review status: criteria provided, single submitter. Criteria: Ambry Variant Classification Scheme 2023. Collection method: clinical testing. Allele origin: germline.

Labcorp Genetics (formerly Invitae), Labcorp
Classification: Uncertain significance for Primary ciliary dyskinesia. Last evaluated: 2023-11-27. Review status: criteria provided, single submitter. Criteria: Invitae Variant Classification Sherloc (09022015). Collection method: clinical testing. Allele origin: germline.
Comment: This sequence change replaces valine, which is neutral and non-polar, with isoleucine, which is neutral and non-polar, at codon 780 of the DNAH11 protein (p.Val780Ile). This variant is not present in population databases (gnomAD no frequency). This variant has not been reported in the literature in individuals affected with DNAH11-related conditions. ClinVar contains an entry for this variant (Variation ID: 2147071). Advanced modeling of protein sequence and biophysical properties (such as structural, functional, and spatial information, amino acid conservation, physicochemical variation, residue mobility, and thermodynamic stability) performed at Invitae indicates that this missense variant is not expected to disrupt DNAH11 protein function with a negative predictive value of 95%. In summary, the available evidence is currently insufficient to determine the role of this variant in disease. Therefore, it has been classified as a Variant of Uncertain Significance.

NM_001277115.2(DNAH11):c.2338G>A (p.Val780Ile)

Gene: DNAH11 (dynein axonemal heavy chain 11; plus strand). Cytogenetic location: 7p15.3.
Variant type: single nucleotide variant.
Coding change: c.2338G>A on transcript NM_001277115.2 (MANE Select); coding-DNA position 2338, G replaced by A.
Protein change: p.Val780Ile; replaces valine 780 with isoleucine.
Molecular consequence: missense variant.
Genome position (GRCh38, 1-based): chr7:21,591,248, G>A. VCF-style: chr7-21591248-G-A. GRCh37 (hg19) VCF-style: chr7-21630866-G-A.
Other names: c.2338G>A (NM_001277115.1); c.2338G>A, p.Val780Ile (NM_003777.3); short protein forms V780I.
Identifiers: ClinVar variation 2147071 (VCV002147071.5), dbSNP rs1369057542, ClinGen allele CA366942491.